The following is an entry in ClinVar:

ClinVar aggregate classification (germline): Uncertain significance (1 of 4 stars; one submission).

Conditions:
Cranioectodermal dysplasia 2 (CED2). Identifiers: Orphanet 1515, MedGen C3150874, MONDO:0013323, OMIM 613610.
Short-rib thoracic dysplasia 7 with or without polydactyly (SRTD7). Also called: Short rib polydactyly syndrome 5; SHORT-RIB THORACIC DYSPLASIA 7 WITH POLYDACTYLY. Identifiers: Orphanet 498497, Orphanet 93271, MedGen C3279792, MONDO:0013569, OMIM 614091.

Allele frequency attached by ClinVar (database versions not stated): TOPMed 0.00001; gnomAD exomes 0.00002.
gnomAD v4.1: 4 of 1,613,696 alleles (0.00025%); highest among the groups gnomAD compares: Admixed American, 0.0067%; no homozygotes.

Submission:

Labcorp Genetics (formerly Invitae), Labcorp
Classification: Uncertain significance for Cranioectodermal dysplasia 2; Short-rib thoracic dysplasia 7 with or without polydactyly. Last evaluated: 2022-08-09. Review status: criteria provided, single submitter. Criteria: Invitae Variant Classification Sherloc (09022015). Collection method: clinical testing. Allele origin: germline.
Comment: In summary, the available evidence is currently insufficient to determine the role of this variant in disease. Therefore, it has been classified as a Variant of Uncertain Significance. Algorithms developed to predict the effect of missense changes on protein structure and function (SIFT, PolyPhen-2, Align-GVGD) all suggest that this variant is likely to be disruptive. ClinVar contains an entry for this variant (Variation ID: 1382938). This variant has not been reported in the literature in individuals affected with WDR35-related conditions. This variant is present in population databases (no rsID available, gnomAD 0.01%). This sequence change replaces isoleucine, which is neutral and non-polar, with threonine, which is neutral and polar, at codon 96 of the WDR35 protein (p.Ile96Thr).

NM_020779.4(WDR35):c.287T>C (p.Ile96Thr)

Gene: WDR35 (WD repeat domain 35; minus strand). Cytogenetic location: 2p24.1.
Variant type: single nucleotide variant.
Coding change: c.287T>C on transcript NM_020779.4 (MANE Select); coding-DNA position 287, T replaced by C.
Protein change: p.Ile96Thr; replaces isoleucine 96 with threonine.
Molecular consequence: missense variant.
Genome position (GRCh38, 1-based): chr2:19,980,711, A>G on the plus strand (T>C on the coding strand, the complement: WDR35 is on the minus strand). VCF-style: chr2-19980711-A-G. GRCh37 (hg19) VCF-style: chr2-20180472-A-G.
Other names: c.287T>C, p.Ile96Thr (NM_001006657.2); short protein forms I96T.
Identifiers: ClinVar variation 1382938 (VCV001382938.8), dbSNP rs1388421523, ClinGen allele CA345948097.